The following is an entry in ClinVar:

NM_173354.5(SIK1):c.593A>G (p.Lys198Arg)

Gene: SIK1 (salt inducible kinase 1; minus strand). Cytogenetic location: 21q22.3.
Variant type: single nucleotide variant.
Coding change: c.593A>G on transcript NM_173354.5 (MANE Select); coding-DNA position 593, A replaced by G.
Protein change: p.Lys198Arg; replaces lysine 198 with arginine.
Molecular consequence: missense variant.
Genome position (GRCh38, 1-based): chr21:43,421,274, T>C on the plus strand (A>G on the coding strand, the complement: SIK1 is on the minus strand). VCF-style: chr21-43421274-T-C. GRCh37 (hg19) VCF-style: chr21-44841154-T-C.
Other names: short protein forms K198R.
Identifiers: ClinVar variation 1371089 (VCV001371089.6), dbSNP rs2146473675, ClinGen allele CA410609842.
Genomic context (GRCh38, chr21:43,421,274, plus strand): 5'-AAGGGGGTCTGCGCGCACAGGGCTCCTACCCAGATGTCCAGCTGGGGGCCTTCATACTCC[T>C]TCCCCTCAAAGACTTCCGGGGCGGCATACGGGGGGCTCCCACACCACGTGGACAGAGGCT-3'
Protein context (NP_775490.2, residues 188-208): PYAAPEVFEG[Lys198Arg]EYEGPQLDIW

ClinVar aggregate classification (germline): Uncertain significance (1 of 4 stars; one submission).

Conditions:
Developmental and epileptic encephalopathy, 30 (DEE30). Also called: Epileptic encephalopathy, early infantile, 30. Identifiers: MedGen C4225360, MONDO:0014595, OMIM 616341.

Submission:

Labcorp Genetics (formerly Invitae), Labcorp
Classification: Uncertain significance for Developmental and epileptic encephalopathy, 30. Last evaluated: 2022-11-14. Review status: criteria provided, single submitter. Criteria: Invitae Variant Classification Sherloc (09022015). Collection method: clinical testing. Allele origin: germline.
Comment: This sequence change replaces lysine, which is basic and polar, with arginine, which is basic and polar, at codon 198 of the SIK1 protein (p.Lys198Arg). This variant is not present in population databases (gnomAD no frequency). This variant has not been reported in the literature in individuals affected with SIK1-related conditions. ClinVar contains an entry for this variant (Variation ID: 1371089). Advanced modeling of protein sequence and biophysical properties (such as structural, functional, and spatial information, amino acid conservation, physicochemical variation, residue mobility, and thermodynamic stability) performed at Invitae indicates that this missense variant is not expected to disrupt SIK1 protein function. In summary, the available evidence is currently insufficient to determine the role of this variant in disease. Therefore, it has been classified as a Variant of Uncertain Significance.